The following is an entry in ClinVar:

ClinVar aggregate classification (germline): Uncertain significance. Review status: criteria provided, multiple submitters, no conflicts (2 of 4 stars). 2 submissions from 2 submitters: Uncertain significance (2). Last evaluated 2025-11-02.

Conditions:
Hypertrophic cardiomyopathy. Also called: HYPERTROPHIC MYOCARDIOPATHY. Identifiers: Orphanet 217569, MedGen C0007194, MeSH D002312, MONDO:0005045, HP:0001639.

Allele frequency attached by ClinVar (database versions not stated): gnomAD exomes below 0.00001; gnomAD 0.00001; ExAC 0.00002; 1000 Genomes Project 30x 0.00016; 1000 Genomes Project 0.00020.
gnomAD v4.1: 3 of 1,613,890 alleles (0.00019%); highest among the groups gnomAD compares: Non-Finnish European, 0.00025%; no homozygotes.

Submissions (2):

Ambry Genetics
Classification: Uncertain significance. Last evaluated: 2025-11-02. Review status: criteria provided, single submitter. Criteria: Ambry Variant Classification Scheme 2023. Collection method: clinical testing. Allele origin: germline.

Labcorp Genetics (formerly Invitae), Labcorp
Classification: Uncertain significance for Hypertrophic cardiomyopathy. Last evaluated: 2022-07-15. Review status: criteria provided, single submitter. Criteria: Invitae Variant Classification Sherloc (09022015). Collection method: clinical testing. Allele origin: germline.
Comment: In summary, the available evidence is currently insufficient to determine the role of this variant in disease. Therefore, it has been classified as a Variant of Uncertain Significance. Algorithms developed to predict the effect of missense changes on protein structure and function are either unavailable or do not agree on the potential impact of this missense change (SIFT: "Tolerated"; PolyPhen-2: "Probably Damaging"; Align-GVGD: "Class C0"). This variant has not been reported in the literature in individuals affected with MYOM1-related conditions. This variant is present in population databases (rs201965862, gnomAD 0.002%). This sequence change replaces glycine, which is neutral and non-polar, with glutamic acid, which is acidic and polar, at codon 1335 of the MYOM1 protein (p.Gly1335Glu).

NM_003803.4(MYOM1):c.4004G>A (p.Gly1335Glu)

Gene: MYOM1 (myomesin 1; minus strand). Cytogenetic location: 18p11.31.
Variant type: single nucleotide variant.
Coding change: c.4004G>A on transcript NM_003803.4 (MANE Select); coding-DNA position 4004, G replaced by A.
Protein change: p.Gly1335Glu; replaces glycine 1335 with glutamic acid.
Molecular consequence: missense variant.
Genome position (GRCh38, 1-based): chr18:3,090,663, C>T on the plus strand (G>A on the coding strand, the complement: MYOM1 is on the minus strand). VCF-style: chr18-3090663-C-T. GRCh37 (hg19) VCF-style: chr18-3090661-C-T.
Other names: c.3716G>A, p.Gly1239Glu (NM_019856.2); short protein forms G1239E, G1335E.
Identifiers: ClinVar variation 2180506 (VCV002180506.5), dbSNP rs201965862, ClinGen allele CA8874105.